The following is an entry in ClinVar:

ClinVar aggregate classification (germline): Uncertain significance (1 of 4 stars; one submission).

Conditions:
Inborn genetic diseases. Identifiers: MedGen C0950123, MeSH D030342.

Submission:

Ambry Genetics
Classification: Uncertain significance for Inborn genetic diseases. Last evaluated: 2024-11-18. Review status: criteria provided, single submitter. Criteria: Ambry Variant Classification Scheme 2023. Collection method: clinical testing. Allele origin: germline.
Comment: The p.G1489E variant (also known as c.4466G>A), located in coding exon 17 of the FANCM gene, results from a G to A substitution at nucleotide position 4466. The glycine at codon 1489 is replaced by glutamic acid, an amino acid with similar properties. This amino acid position is conserved. In addition, this alteration is predicted to be tolerated by in silico analysis. Based on the available evidence, the clinical significance of this variant remains unclear.

NM_020937.4(FANCM):c.4466G>A (p.Gly1489Glu)

Gene: FANCM (FA complementation group M; plus strand). Cytogenetic location: 14q21.2.
Variant type: single nucleotide variant.
Coding change: c.4466G>A on transcript NM_020937.4 (MANE Select); coding-DNA position 4466, G replaced by A.
Protein change: p.Gly1489Glu; replaces glycine 1489 with glutamic acid.
Molecular consequence: missense variant.
Genome position (GRCh38, 1-based): chr14:45,183,853, G>A. VCF-style: chr14-45183853-G-A. GRCh37 (hg19) VCF-style: chr14-45653056-G-A.
Other names: c.4388G>A, p.Gly1463Glu (NM_001308133.2); short protein forms G1463E, G1489E.
Identifiers: ClinVar variation 3512898 (VCV003512898.1).